The following is an entry in ClinVar:

NM_007078.3(LDB3):c.930C>A (p.Ser310Arg)

Gene: LDB3 (LIM domain binding 3; plus strand). Cytogenetic location: 10q23.2.
Variant type: single nucleotide variant.
Coding change: c.930C>A on transcript NM_007078.3 (MANE Select); coding-DNA position 930, C replaced by A.
Protein change: p.Ser310Arg; replaces serine 310 with arginine.
Molecular consequence: missense variant. On other transcripts: intron variant (4).
Genome position (GRCh38, 1-based): chr10:86,706,564, C>A. VCF-style: chr10-86706564-C-A. GRCh37 (hg19) VCF-style: chr10-88466321-C-A.
Other names: c.789C>A, p.Ser263Arg (NM_001368066.1); c.897-3341C>A (NM_001368064.1, NM_001368065.1); c.1101-3341C>A (NM_001171610.2); c.756-3341C>A (NM_001080114.2); short protein forms S310R, S263R.
Identifiers: ClinVar variation 2867926 (VCV002867926.3), dbSNP rs1348136005, ClinGen allele CA377446557.
Genomic context (GRCh38, chr10:86,706,564, plus strand): 5'-GTTGTCTTTTTGGTCCCGCCTCATCAGCACCCCTATTGAGCATGCGCCGGTGTGCACCAG[C>A]CAGGCCACCACCCCGCTGCTGCCCGCTTCTGCCCAGCCACCTGCTGCTGCCTCTCCCAGT-3'
Protein context (NP_009009.1, residues 300-320): TPIEHAPVCT[Ser310Arg]QATTPLLPAS

ClinVar aggregate classification (germline): Uncertain significance (1 of 4 stars; one submission).

Conditions:
Myofibrillar myopathy 4. Also called: Zaspopathy (type). Identifiers: Orphanet 98912, MedGen C4721886, MONDO:0012277, OMIM 609452.

Allele frequency attached by ClinVar (database versions not stated): TOPMed below 0.00001; gnomAD 0.00001.

Submission:

Labcorp Genetics (formerly Invitae), Labcorp
Classification: Uncertain significance for Myofibrillar myopathy 4. Last evaluated: 2024-06-11. Review status: criteria provided, single submitter. Criteria: Invitae Variant Classification Sherloc (09022015). Collection method: clinical testing. Allele origin: germline.
Comment: The LDB3 gene has multiple clinically relevant transcripts. This variant occurs in alternate transcript NM_007078.3, and corresponds to NM_001080116.1:c.*7190C>A in the primary transcript. This sequence change replaces serine, which is neutral and polar, with arginine, which is basic and polar, at codon 310 of the LDB3 protein (p.Ser310Arg). This variant is not present in population databases (gnomAD no frequency). This variant has not been reported in the literature in individuals affected with LDB3-related conditions. Experimental studies and prediction algorithms are not available or were not evaluated, and the functional significance of this variant is currently unknown. In summary, the available evidence is currently insufficient to determine the role of this variant in disease. Therefore, it has been classified as a Variant of Uncertain Significance.